The following is an entry in ClinVar:

ClinVar aggregate classification (germline): Likely pathogenic (1 of 4 stars; one submission).

Conditions:
Dilated cardiomyopathy 1G (CMD1G). Identifiers: Orphanet 154, MedGen C1858763, MONDO:0011400, OMIM 604145.

Submission:

MVZ Medizinische Genetik Mainz
Classification: Likely pathogenic for Dilated cardiomyopathy 1G. Last evaluated: 2026-01-21. Review status: criteria provided, single submitter. Criteria: UK Practice Guidelines For Variant Classification V4 01 2020. Collection method: clinical testing. Allele origin: germline. Inheritance: Autosomal dominant inheritance. Affected: yes. Observed: 1 variant allele.
Comment: ACMG Criteria: PVS1,PM2_SUP

NM_001267550.2(TTN):c.75353_75356dup (p.Asp25119fs)

Genes: TTN (titin; minus strand), TTN-AS1 (TTN antisense RNA 1; plus strand). Cytogenetic location: 2q31.2.
Variant type: Duplication.
Coding change: c.75353_75356dup on transcript NM_001267550.2 (MANE Select); coding-DNA positions 75353 to 75356, 4 bases duplicated (AAGA; older notation c.75353_75356dupAAGA).
Protein change: p.Asp25119fs; shifts the reading frame from aspartic acid 25119.
Molecular consequence: frameshift variant.
Genome position (GRCh38, 1-based): chr2:178,570,776-178,570,779, TCTT duplicated on the plus strand (AAGA on the coding strand, the reverse complement: TTN is on the minus strand); duplicating any 4 consecutive bases within chr2:178,570,776-178,570,780 gives the same sequence; the c. name uses the placement nearest the transcript's 3' end. VCF-style (leftmost placement, unchanged base first): chr2-178570775-G-GTCTT. GRCh37 (hg19) VCF-style: chr2-179435502-G-GTCTT.
Other names: c.70430_70433dup, p.Asp23478fs (NM_001256850.1); c.48158_48161dup, p.Asp16054fs (NM_003319.4); c.67649_67652dup, p.Asp22551fs (NM_133378.4); c.48533_48536dup, p.Asp16179fs (NM_133432.3); c.48734_48737dup, p.Asp16246fs (NM_133437.4); short protein forms D16054fs, D16179fs, D16246fs, D22551fs, D23478fs, D25119fs.
Identifiers: ClinVar variation 5038223 (VCV005038223.1).